The following is an entry in ClinVar:

ClinVar aggregate classification (germline): Benign (1 of 4 stars; one submission).

Conditions:
Melanoma, cutaneous malignant, susceptibility to, 5. Also called: Cutaneous malignant melanoma 5. Identifiers: Orphanet 618, MedGen C2751295, MONDO:0013133, OMIM 613099.

Allele frequency attached by ClinVar (database versions not stated): gnomAD exomes 0.00050; TOPMed 0.00024; 1000 Genomes Project 30x 0.00031; 1000 Genomes Project 0.00040.

Submission:

Illumina Laboratory Services, Illumina
Classification: Benign for Melanoma, cutaneous malignant, susceptibility to, 5. Last evaluated: 2018-01-13. Review status: criteria provided, single submitter. Criteria: ICSL Variant Classification Criteria 13 December 2019. Collection method: clinical testing. Allele origin: germline.
Comment: This variant was observed in the ICSL laboratory as part of a predisposition screen in an ostensibly healthy population. It had not been previously curated by ICSL or reported in the Human Gene Mutation Database (HGMD: prior to June 1st, 2018), and was therefore a candidate for classification through an automated scoring system. Utilizing variant allele frequency, disease prevalence and penetrance estimates, and inheritance mode, an automated score was calculated to assess if this variant is too frequent to cause the disease. Based on the score and internal cut-off values, a variant classified as benign is not then subjected to further curation. The score for this variant resulted in a classification of benign for this disease.

NM_002386.3(MC1R):c.-1371C>G

Gene: MC1R (melanocortin 1 receptor; plus strand). Cytogenetic location: 16q24.3.
Variant type: single nucleotide variant.
Coding change: c.-1371C>G on transcript NM_002386.3; 1371 bases upstream of the start codon, C replaced by G.
Genome position (GRCh38, 1-based): chr16:89,917,888, C>G. VCF-style: chr16-89917888-C-G. GRCh37 (hg19) VCF-style: chr16-89984296-C-G.
Identifiers: ClinVar variation 884600 (VCV000884600.6), dbSNP rs546542914, ClinGen allele CA286606840.